The following is an entry in ClinVar:

NM_006231.4(POLE):c.3966dup (p.Ala1323fs)

Gene: POLE (DNA polymerase epsilon, catalytic subunit; minus strand). Cytogenetic location: 12q24.33.
Variant type: Duplication.
Coding change: c.3966dup on transcript NM_006231.4 (MANE Select); coding-DNA position 3966, one base duplicated (T; older notation c.3966dupT).
Protein change: p.Ala1323fs; shifts the reading frame from alanine 1323.
Molecular consequence: frameshift variant.
Genome position (GRCh38, 1-based): chr12:132,649,345, A duplicated on the plus strand (T on the coding strand, the reverse complement: POLE is on the minus strand). VCF-style (leftmost placement, unchanged base first): chr12-132649344-C-CA. GRCh37 (hg19) VCF-style: chr12-133225930-C-CA.
Other names: short protein forms A1323fs.
Identifiers: ClinVar variation 1498094 (VCV001498094.8), dbSNP rs2138605837, ClinGen allele CA2573148110.

ClinVar aggregate classification (germline): Pathogenic (1 of 4 stars; one submission).

Submission:

Labcorp Genetics (formerly Invitae), Labcorp
Classification: Pathogenic. Last evaluated: 2025-07-31. Review status: criteria provided, single submitter. Criteria: Invitae Variant Classification Sherloc (09022015). Collection method: clinical testing. Allele origin: germline.
Comment: This sequence change creates a premature translational stop signal (p.Ala1323Cysfs*32) in the POLE gene. It is expected to result in an absent or disrupted protein product. Loss-of-function variants in POLE are known to be pathogenic (PMID: 23230001, 25948378, 30503519). This variant is not present in population databases (gnomAD no frequency). This variant has not been reported in the literature in individuals affected with POLE-related conditions. ClinVar contains an entry for this variant (Variation ID: 1498094). For these reasons, this variant has been classified as Pathogenic.

Literature cited by the submitters: PubMed 23230001; PubMed 25948378; PubMed 30503519.